The following is an entry in ClinVar:

NM_172240.3(POC1B):c.811-24T>A

Genes: POC1B (POC1 centriolar protein B; minus strand), POC1B-DUSP6 (POC1B-DUSP6 readthrough; minus strand). Cytogenetic location: 12q21.33.
Variant type: single nucleotide variant.
Coding change: c.811-24T>A on transcript NM_172240.3 (MANE Select); 24 bases into the intron before coding-DNA position 811, T replaced by A.
Molecular consequence: intron variant.
Genome position (GRCh38, 1-based): chr12:89,467,709, A>T on the plus strand (T>A on the coding strand, the complement: POC1B is on the minus strand). VCF-style: chr12-89467709-A-T. GRCh37 (hg19) VCF-style: chr12-89861486-A-T.
Other names: c.421-24T>A (NM_001425796.1, NM_001425773.1); c.811-24T>A (NM_001425795.1, NM_001425794.1, NM_001425772.1 and 1 more transcripts); c.685-24T>A (NM_001199777.2).
Identifiers: ClinVar variation 4813923 (VCV004813923.1).
Genomic context (GRCh38, chr12:89,467,709, plus strand): 5'-CTCCACCTTTTGAAAATGAAACAGTAAAGACAGGTCCCTGAGAAATAAAGGGAAATAAAG[A>T]AAAAAAGTACTTGGTAATGCTTTCTCATGGCCAAGAAGACTATGGATATCAATTTCTCAT-3'

ClinVar aggregate classification (germline): Likely benign (1 of 4 stars; one submission).

gnomAD v4.1: 1,328 of 1,569,294 alleles (0.085%); highest among the groups gnomAD compares: African/African-American, 1.5%; 15 homozygotes.

Submission:

GeneDx
Classification: Likely benign. Last evaluated: 2018-07-05. Review status: criteria provided, single submitter. Criteria: GeneDx Variant Classification Process June 2021. Collection method: clinical testing. Allele origin: germline. Affected: yes.
Comment: See Variant Classification Assertion Criteria.